The following is an entry in ClinVar:

ClinVar aggregate classification (germline): Conflicting classifications of pathogenicity. Review status: criteria provided, conflicting classifications (1 of 4 stars). 4 submissions from 4 submitters: Uncertain significance (3); Likely benign (1). Last evaluated 2026-01-20.

Conditions:
KIT-related disorder. Also called: KIT-related condition.
Hereditary cancer-predisposing syndrome. Also called: Tumor predisposition; Hereditary neoplastic syndrome; Hereditary Cancer Syndrome; Neoplastic Syndromes, Hereditary. Identifiers: Orphanet 140162, MedGen C0027672, MeSH D009386, MONDO:0015356.
Gastrointestinal stromal tumor. Also called: Gastrointestinal stroma tumor; Gastrointestinal stromal tumor, somatic. Identifiers: Orphanet 44890, MedGen C0238198, MeSH D046152, MONDO:0011719, OMIM 606764, HP:0100723.

Allele frequency attached by ClinVar (database versions not stated): TOPMed 0.00003; gnomAD 0.00006.
gnomAD v4.1: 15 of 1,614,066 alleles (0.00093%); highest among the groups gnomAD compares: African/African-American, 0.017%; no homozygotes.

Submissions (4):

Labcorp Genetics (formerly Invitae), Labcorp
Classification: Uncertain significance for Gastrointestinal stromal tumor. Last evaluated: 2026-01-20. Review status: criteria provided, single submitter. Criteria: Invitae Variant Classification Sherloc (09022015). Collection method: clinical testing. Allele origin: germline.
Comment: This sequence change replaces proline, which is neutral and non-polar, with serine, which is neutral and polar, at codon 36 of the KIT protein (p.Pro36Ser). This variant is present in population databases (rs781633384, gnomAD 0.01%). This variant has not been reported in the literature in individuals affected with KIT-related conditions. ClinVar contains an entry for this variant (Variation ID: 528585). An algorithm developed to predict the effect of missense changes on protein structure and function (PolyPhen-2) suggests that this variant is likely to be tolerated. In summary, the available evidence is currently insufficient to determine the role of this variant in disease. Therefore, it has been classified as a Variant of Uncertain Significance.

Ambry Genetics
Classification: Likely benign for Hereditary cancer-predisposing syndrome. Last evaluated: 2025-01-14. Review status: criteria provided, single submitter. Criteria: Ambry Variant Classification Scheme 2023. Collection method: clinical testing. Allele origin: germline.

GeneDx
Classification: Uncertain significance. Last evaluated: 2023-12-11. Review status: criteria provided, single submitter. Criteria: GeneDx Variant Classification Process June 2021. Collection method: clinical testing. Allele origin: germline.
Comment: Not observed at significant frequency in large population cohorts (gnomAD); In silico analysis supports that this missense variant does not alter protein structure/function; Has not been previously published as pathogenic or benign to our knowledge

PreventionGenetics, part of Exact Sciences
Classification: Uncertain significance for KIT-related condition. Last evaluated: 2022-11-09. Review status: criteria provided, single submitter. Criteria: ACMG Guidelines, 2015. Collection method: clinical testing. Allele origin: germline.
Comment: The KIT c.106C>T variant is predicted to result in the amino acid substitution p.Pro36Ser. To our knowledge, this variant has not been reported in the literature. This variant is reported in 0.012% of alleles in individuals of African descent in gnomAD and interpreted as uncertain in ClinVar. At this time, the clinical significance of this variant is uncertain due to the absence of conclusive functional and genetic evidence.

NM_000222.3(KIT):c.106C>T (p.Pro36Ser)

Gene: KIT (KIT proto-oncogene, receptor tyrosine kinase; plus strand). Cytogenetic location: 4q12.
Variant type: single nucleotide variant.
Coding change: c.106C>T on transcript NM_000222.3 (MANE Select); coding-DNA position 106, C replaced by T.
Protein change: p.Pro36Ser; replaces proline 36 with serine.
Molecular consequence: missense variant.
Genome position (GRCh38, 1-based): chr4:54,695,550, C>T. VCF-style: chr4-54695550-C-T. GRCh37 (hg19) VCF-style: chr4-55561716-C-T.
Other names: c.106C>T, p.Pro36Ser (NM_001093772.2, NM_001385284.1, NM_001385285.1 and 4 more transcripts); short protein forms P36S.
Identifiers: ClinVar variation 528585 (VCV000528585.14), dbSNP rs781633384, ClinGen allele CA2923158.